The following is an entry in ClinVar:

ClinVar aggregate classification (germline): Benign. Review status: criteria provided, multiple submitters, no conflicts (2 of 4 stars). 2 submissions from 2 submitters: Benign (2). Last evaluated 2018-01-12.

Conditions:
Autosomal dominant Parkinson disease 8. Also called: Parkinson disease 8, susceptibility to; LRRK2-Related Parkinson Disease; Parkinson disease 8. Identifiers: Orphanet 411602, MedGen C1846862, MONDO:0011764, OMIM 607060.

Allele frequency attached by ClinVar (database versions not stated): TOPMed 0.00148; 1000 Genomes Project 30x 0.00265; 1000 Genomes Project 0.00300.
gnomAD v4.1: 1,053 of 585,576 alleles (0.18%); highest among the groups gnomAD compares: South Asian, 1.5%; 11 homozygotes.

Submissions (2):

Illumina Laboratory Services, Illumina
Classification: Benign for Autosomal dominant Parkinson disease 8. Last evaluated: 2018-01-12. Review status: criteria provided, single submitter. Criteria: ICSL Variant Classification Criteria 13 December 2019. Collection method: clinical testing. Allele origin: germline.
Comment: This variant was observed in the ICSL laboratory as part of a predisposition screen in an ostensibly healthy population. It had not been previously curated by ICSL or reported in the Human Gene Mutation Database (HGMD: prior to June 1st, 2018), and was therefore a candidate for classification through an automated scoring system. Utilizing variant allele frequency, disease prevalence and penetrance estimates, and inheritance mode, an automated score was calculated to assess if this variant is too frequent to cause the disease. Based on the score and internal cut-off values, a variant classified as benign is not then subjected to further curation. The score for this variant resulted in a classification of benign for this disease.

Breakthrough Genomics
Classification: Benign. Review status: criteria provided, single submitter. Criteria: ACMG Guidelines, 2015. Collection method: not provided. Allele origin: germline. Inheritance: Autosomal dominant inheritance. Affected: yes.

NM_198578.4(LRRK2):c.*148T>C

Gene: LRRK2 (leucine rich repeat kinase 2; plus strand). Cytogenetic location: 12q12.
Variant type: single nucleotide variant.
Coding change: c.*148T>C on transcript NM_198578.4 (MANE Select); 148 bases downstream of the stop codon, T replaced by C.
Molecular consequence: 3 prime UTR variant.
Genome position (GRCh38, 1-based): chr12:40,367,913, T>C. VCF-style: chr12-40367913-T-C. GRCh37 (hg19) VCF-style: chr12-40761715-T-C.
Identifiers: ClinVar variation 308653 (VCV000308653.6), dbSNP rs202205832, ClinGen allele CA10637368.
Genomic context (GRCh38, chr12:40,367,913, plus strand): 5'-CTCACATTTTTTGAAATAGCTCGTGTGTATGAAGGAATGTTATTATTTTTAATTTAAATA[T>C]ATGTAAAAATACTTACCAGTAAATGTGTATTTTAAAGAACTATTTAAAACACAATGTTAT-3'